The following is an entry in ClinVar:

NM_001242896.3(DEPDC5):c.1858A>G (p.Thr620Ala)

Gene: DEPDC5 (DEP domain containing 5, GATOR1 subcomplex subunit; plus strand). Cytogenetic location: 22q12.3.
Variant type: single nucleotide variant.
Coding change: c.1858A>G on transcript NM_001242896.3 (MANE Select); coding-DNA position 1858, A replaced by G.
Protein change: p.Thr620Ala; replaces threonine 620 with alanine.
Molecular consequence: missense variant. On other transcripts: non-coding transcript variant (5).
Genome position (GRCh38, 1-based): chr22:31,819,213, A>G. VCF-style: chr22-31819213-A-G. GRCh37 (hg19) VCF-style: chr22-32215199-A-G.
Other names: c.1858A>G, p.Thr620Ala (NM_001136029.4, NM_001242897.2, NM_001363852.2 and 6 more transcripts); c.1774A>G, p.Thr592Ala (NM_001369901.1, NM_001369902.1); short protein forms T620A, T592A.
Identifiers: ClinVar variation 2917864 (VCV002917864.3), dbSNP rs2089446523, ClinGen allele CA411281257.
Genomic context (GRCh38, chr22:31,819,213, plus strand): 5'-CCCTTCGCTCCCTCTCGGATGCCCATGAAGCTTACGTCCAACAGAAGGCGCTGGATGCAC[A>G]CTTTTCCTGTGGGTAAGTTGGTTGCTTAAGAGAGAGCCTTGGACTAGGAGCTCCTAGCCC-3'
Protein context (NP_001229825.1, residues 610-630): LTSNRRRWMH[Thr620Ala]FPVGPSGEAI

ClinVar aggregate classification (germline): Uncertain significance (1 of 4 stars; one submission).

Conditions:
Familial focal epilepsy with variable foci (FPEVF). Identifiers: Orphanet 98820, MedGen C1858477, MONDO:0020310.

Allele frequency attached by ClinVar (database versions not stated): gnomAD exomes below 0.00001; TOPMed 0.00001.

Submission:

Labcorp Genetics (formerly Invitae), Labcorp
Classification: Uncertain significance for Familial focal epilepsy with variable foci. Last evaluated: 2024-01-11. Review status: criteria provided, single submitter. Criteria: Invitae Variant Classification Sherloc (09022015). Collection method: clinical testing. Allele origin: germline.
Comment: This sequence change replaces threonine, which is neutral and polar, with alanine, which is neutral and non-polar, at codon 620 of the DEPDC5 protein (p.Thr620Ala). This variant is not present in population databases (gnomAD no frequency). This variant has not been reported in the literature in individuals affected with DEPDC5-related conditions. Experimental studies and prediction algorithms are not available or were not evaluated, and the functional significance of this variant is currently unknown. In summary, the available evidence is currently insufficient to determine the role of this variant in disease. Therefore, it has been classified as a Variant of Uncertain Significance.